The following is an entry in ClinVar:

ClinVar aggregate classification (germline): Uncertain significance (1 of 4 stars; one submission).

Conditions:
Distichiasis-lymphedema syndrome. Also called: LYMPHEDEMA WITH DISTICHIASIS. Identifiers: Orphanet 33001, MedGen C0265345, MONDO:0007922, OMIM 153400.

Submission:

Clinical Genomics Laboratory, Washington University in St. Louis
Classification: Uncertain significance for Distichiasis-lymphedema syndrome. Last evaluated: 2025-12-28. Review status: criteria provided, single submitter. Criteria: ACMG Guidelines, 2015. Collection method: clinical testing. Allele origin: germline.
Comment: A FOXC2 c.581C>T (p.Ala194Val) variant was identified at a near heterozygous allelic fraction of 47.9%, a frequency which may be consistent with it being of germline origin. This variant, to our knowledge, has not been reported in the medical literature. It is observed on 21/1,574,472 alleles in the general population (gnomAD v4.1.0). Computational predictors suggest that the variant does not impact FOXC2 function. Due to limited information, and based on ACMG/AMP guidelines for variant interpretation (Richards S et al., PMID: 25741868), the clinical significance of this variant is uncertain at this time.

NM_005251.3(FOXC2):c.581C>T (p.Ala194Val)

Gene: FOXC2 (forkhead box C2; plus strand). Cytogenetic location: 16q24.1.
Variant type: single nucleotide variant.
Coding change: c.581C>T on transcript NM_005251.3 (MANE Select); coding-DNA position 581, C replaced by T.
Protein change: p.Ala194Val; replaces alanine 194 with valine.
Molecular consequence: missense variant.
Genome position (GRCh38, 1-based): chr16:86,567,916, C>T. VCF-style: chr16-86567916-C-T. GRCh37 (hg19) VCF-style: chr16-86601522-C-T.
Other names: short protein forms A194V.
Identifiers: ClinVar variation 4974602 (VCV004974602.1).